The following is an entry in ClinVar:

NM_004360.5(CDH1):c.1129C>T (p.Pro377Ser)

Gene: CDH1 (cadherin 1; plus strand). Cytogenetic location: 16q22.1.
Variant type: single nucleotide variant.
Coding change: c.1129C>T on transcript NM_004360.5 (MANE Select); coding-DNA position 1129, C replaced by T.
Protein change: p.Pro377Ser; replaces proline 377 with serine.
Molecular consequence: missense variant. On other transcripts: 5 prime UTR variant (2).
Genome position (GRCh38, 1-based): chr16:68,812,255, C>T. VCF-style: chr16-68812255-C-T. GRCh37 (hg19) VCF-style: chr16-68846158-C-T.
Other names: c.1129C>T, p.Pro377Ser (NM_001317184.2); c.-487C>T (NM_001317185.2); c.-691C>T (NM_001317186.2); short protein forms P377S.
Identifiers: ClinVar variation 5033943 (VCV005033943.1).

ClinVar aggregate classification (germline): Uncertain significance (1 of 4 stars; one submission).

Conditions:
Hereditary cancer-predisposing syndrome. Also called: Neoplastic Syndromes, Hereditary; Tumor predisposition; Hereditary neoplastic syndrome; Hereditary Cancer Syndrome. Identifiers: Orphanet 140162, MedGen C0027672, MeSH D009386, MONDO:0015356.

Submission:

Ambry Genetics
Classification: Uncertain significance for Hereditary cancer-predisposing syndrome. Last evaluated: 2026-07-06. Review status: criteria provided, single submitter. Criteria: Ambry Variant Classification Scheme 2023. Collection method: clinical testing. Allele origin: germline.
Comment: The p.P377S variant (also known as c.1129C>T), located in coding exon 8 of the CDH1 gene, results from a C to T substitution at nucleotide position 1129. The proline at codon 377 is replaced by serine, an amino acid with similar properties. This amino acid position is conserved. In addition, this alteration is predicted to be tolerated by in silico analysis. Based on the available evidence, the clinical significance of this variant remains unclear.